The following is an entry in ClinVar:

ClinVar aggregate classification (germline): Likely pathogenic (0 of 4 stars; one submission).

Submission:

Leiden Open Variation Database
Classification: Likely pathogenic. Last evaluated: 2019-01-22. Review status: no assertion criteria provided. Collection method: curation. Allele origin: germline. Affected: yes.
Comment: Curator: Arleen D. Auerbach. Submitter to LOVD: Johan den Dunnen.

Literature cited by the submitters: PubMed 27751358.

NC_000017.11:g.(58724101_58732483)_(58732545_58734117)del

Gene: RAD51C (RAD51 paralog C; plus strand). Cytogenetic location: 17q22.
Variant type: Deletion.
Identifiers: ClinVar variation 929795 (VCV000929795.1).